The following is an entry in ClinVar:

NM_012186.3(FOXE3):c.97G>A (p.Ala33Thr)

Genes: FOXE3 (forkhead box E3; plus strand), LINC01389 (long independently transcribed non-coding RNA 1389; minus strand). Cytogenetic location: 1p33.
Variant type: single nucleotide variant.
Coding change: c.97G>A on transcript NM_012186.3 (MANE Select); coding-DNA position 97, G replaced by A.
Protein change: p.Ala33Thr; replaces alanine 33 with threonine.
Molecular consequence: missense variant.
Genome position (GRCh38, 1-based): chr1:47,416,412, G>A. VCF-style: chr1-47416412-G-A. GRCh37 (hg19) VCF-style: chr1-47882084-G-A.
Other names: short protein forms A33T.
Identifiers: ClinVar variation 1039597 (VCV001039597.9), dbSNP rs1646882579, ClinGen allele CA340249026.

ClinVar aggregate classification (germline): Uncertain significance (1 of 4 stars; one submission).

Conditions:
Congenital primary aphakia. Also called: ANTERIOR SEGMENT DYSGENESIS 2; Anterior segment dysgenesis 2, multiple subtypes. Identifiers: Orphanet 83461, MedGen C1853230, MONDO:0012456, OMIM 610256.
Anterior segment dysgenesis. Also called: Ocular anterior segment dysgenesis. Identifiers: Orphanet 88632, MedGen C1862839, MONDO:0019503, HP:0007700.

Submission:

Labcorp Genetics (formerly Invitae), Labcorp
Classification: Uncertain significance for Anterior segment dysgenesis; Congenital primary aphakia. Last evaluated: 2024-10-07. Review status: criteria provided, single submitter. Criteria: Invitae Variant Classification Sherloc (09022015). Collection method: clinical testing. Allele origin: germline.
Comment: This sequence change replaces alanine, which is neutral and non-polar, with threonine, which is neutral and polar, at codon 33 of the FOXE3 protein (p.Ala33Thr). This variant is not present in population databases (gnomAD no frequency). This variant has not been reported in the literature in individuals affected with FOXE3-related conditions. ClinVar contains an entry for this variant (Variation ID: 1039597). An algorithm developed to predict the effect of missense changes on protein structure and function (PolyPhen-2) suggests that this variant is likely to be tolerated. In summary, the available evidence is currently insufficient to determine the role of this variant in disease. Therefore, it has been classified as a Variant of Uncertain Significance.